The following is an entry in ClinVar:

ClinVar aggregate classification (germline): Likely pathogenic. Review status: criteria provided, multiple submitters, no conflicts (2 of 4 stars). 2 submissions from 2 submitters: Likely pathogenic (2). Last evaluated 2025-06-26.

Conditions:
Dyskeratosis congenita. Identifiers: Orphanet 1775, MedGen C0265965, MONDO:0015780.

Submissions (2):

Natera, Inc.
Classification: Likely pathogenic for Dyskeratosis congenita. Last evaluated: 2025-06-26. Review status: criteria provided, single submitter. Criteria: Natera Variant Classification Schema (03/2026). Collection method: clinical testing. Allele origin: germline.
Comment: The c.2021dup variant in RTEL1 is a frameshift variant predicted to shift the reading frame beginning at codon 675 and leads to a stop codon 15 codons downstream. This variant is expected to result in nonsense mediated decay, truncation, or a dysfunctional protein product. This variant is rare in the general population with a frequency below the threshold expected for the associated phenotype(s). Given the available evidence, this variant is classified as Likely Pathogenic.

Center for Genomic Medicine, Rigshospitalet, Copenhagen University Hospital
Classification: Likely pathogenic. Last evaluated: 2025-03-04. Review status: criteria provided, single submitter. Criteria: ACMG Guidelines, 2015. Collection method: clinical testing. Allele origin: germline.

Literature cited by the submitters: PubMed 28099038 (cited by Center for Genomic Medicine, Rigshospitalet, Copenhagen University Hospital); PubMed 29344583 (cited by Center for Genomic Medicine, Rigshospitalet, Copenhagen University Hospital).

NM_001283009.2(RTEL1):c.1949dup (p.Arg651fs)

Genes: RTEL1-TNFRSF6B (RTEL1-TNFRSF6B readthrough (NMD candidate); plus strand), RTEL1 (regulator of telomere elongation helicase 1; plus strand). Cytogenetic location: 20q13.33.
Variant type: Duplication.
Coding change: c.1949dup on transcript NM_001283009.2 (MANE Select); coding-DNA position 1949, one base duplicated (C; older notation c.1949dupC).
Protein change: p.Arg651fs; shifts the reading frame from arginine 651.
Molecular consequence: frameshift variant. On other transcripts: non-coding transcript variant (1).
Genome position (GRCh38, 1-based): chr20:63,689,572, C duplicated; the last of 6 consecutive C bases (chr20:63,689,567-63,689,572); duplicating any one gives the same sequence. VCF-style (leftmost placement, unchanged base first): chr20-63689566-A-AC. GRCh37 (hg19) VCF-style: chr20-62320919-A-AC.
Other names: c.1280dup, p.Arg428fs (NM_001283010.1); c.1949dup, p.Arg651fs (NM_016434.4); c.2021dup, p.Arg675fs (NM_032957.5); c.1949dupC (NM_001283009.2); c.2021dup (NM_032957.4); short protein forms R428fs, R651fs, R675fs.
Identifiers: ClinVar variation 1703017 (VCV001703017.7), dbSNP rs2517132727, ClinGen allele CA645619724.
Genomic context (GRCh38, chr20:63,689,566, plus strand): 5'-GCGAGGGGCTGGACTTCTCAGACACGAATGGCCGTGGTGTGATTGTCACGGGCCTCCCGT[A>AC]CCCCCCACGCATGGACCCCCGGGTTGTCCTCAAGATGCAGTTCCTGGATGAGATGAAGGG-3'